The following is an entry in ClinVar:

ClinVar aggregate classification (germline): Pathogenic (1 of 4 stars; one submission).

Submission:

Labcorp Genetics (formerly Invitae), Labcorp
Classification: Pathogenic. Last evaluated: 2022-02-05. Review status: criteria provided, single submitter. Criteria: Invitae Variant Classification Sherloc (09022015). Collection method: clinical testing. Allele origin: germline.
Comment: This variant is a gross deletion of the genomic region encompassing exon(s) 4-5 of the PCDH15 gene. This deletion is out-of-frame, and is expected to create a premature termination codon and result in an absent or disrupted protein product. Loss-of-function variants in PCDH15 are known to be pathogenic (PMID: 11398101, 11487575, 14570705). This variant has not been reported in the literature in individuals affected with PCDH15-related conditions. For these reasons, this variant has been classified as Pathogenic.

Literature cited by the submitters: PubMed 11398101; PubMed 11487575; PubMed 14570705.

NC_000010.11:g.(?_54369120)_(54378942_?)del

Gene: PCDH15 (protocadherin related 15; minus strand). Cytogenetic location: 10q21.1.
Variant type: Deletion.
Identifiers: ClinVar variation 832955 (VCV000832955.5).